The following is an entry in ClinVar:

NM_024757.5(EHMT1):c.909G>C (p.Lys303Asn)

Gene: EHMT1 (euchromatic histone lysine methyltransferase 1; plus strand). Cytogenetic location: 9q34.3.
Variant type: single nucleotide variant.
Coding change: c.909G>C on transcript NM_024757.5 (MANE Select); coding-DNA position 909, G replaced by C.
Protein change: p.Lys303Asn; replaces lysine 303 with asparagine.
Molecular consequence: missense variant.
Genome position (GRCh38, 1-based): chr9:137,743,456, G>C. VCF-style: chr9-137743456-G-C. GRCh37 (hg19) VCF-style: chr9-140637908-G-C.
Other names: c.909G>C, p.Lys303Asn (NM_001145527.2, NM_001354611.2); c.816G>C, p.Lys272Asn (NM_001354259.2, NM_001354612.2); c.888G>C, p.Lys296Asn (NM_001354263.2); short protein forms K296N, K303N, K272N.
Identifiers: ClinVar variation 2806054 (VCV002806054.3), dbSNP rs2541601086, ClinGen allele CA375777926.

ClinVar aggregate classification (germline): Uncertain significance (1 of 4 stars; one submission).

Conditions:
Kleefstra syndrome 1 (KLEFS1). Identifiers: Orphanet 261494, MedGen C0795833, MONDO:0027407, OMIM 610253.

Submission:

Labcorp Genetics (formerly Invitae), Labcorp
Classification: Uncertain significance for Kleefstra syndrome 1. Last evaluated: 2022-12-21. Review status: criteria provided, single submitter. Criteria: Invitae Variant Classification Sherloc (09022015). Collection method: clinical testing. Allele origin: germline.
Comment: This sequence change replaces lysine, which is basic and polar, with asparagine, which is neutral and polar, at codon 303 of the EHMT1 protein (p.Lys303Asn). In summary, the available evidence is currently insufficient to determine the role of this variant in disease. Therefore, it has been classified as a Variant of Uncertain Significance. Advanced modeling of protein sequence and biophysical properties (such as structural, functional, and spatial information, amino acid conservation, physicochemical variation, residue mobility, and thermodynamic stability) performed at Invitae indicates that this missense variant is not expected to disrupt EHMT1 protein function. This variant has not been reported in the literature in individuals affected with EHMT1-related conditions. This variant is not present in population databases (gnomAD no frequency).